The following is an entry in ClinVar:

NM_022726.4(ELOVL4):c.-103G>C

Gene: ELOVL4 (ELOVL fatty acid elongase 4; minus strand). Cytogenetic location: 6q14.1.
Variant type: single nucleotide variant.
Coding change: c.-103G>C on transcript NM_022726.4 (MANE Select); 103 bases upstream of the start codon, G replaced by C.
Molecular consequence: 5 prime UTR variant.
Genome position (GRCh38, 1-based): chr6:79,947,382, C>G on the plus strand (G>C on the coding strand, the complement: ELOVL4 is on the minus strand). VCF-style: chr6-79947382-C-G. GRCh37 (hg19) VCF-style: chr6-80657099-C-G.
Identifiers: ClinVar variation 358152 (VCV000358152.5), dbSNP rs530801492, ClinGen allele CA10627767.

ClinVar aggregate classification (germline): Likely benign (1 of 4 stars; one submission).

Conditions:
Stargardt disease 3. Also called: MACULAR DYSTROPHY WITH FLECKS, TYPE 3; STARGARDT-LIKE MACULAR DYSTROPHY, AUTOSOMAL DOMINANT. Identifiers: Orphanet 827, MedGen C1838644, MONDO:0010819, OMIM 600110.

Allele frequency attached by ClinVar (database versions not stated): gnomAD exomes 0.00023; 1000 Genomes Project 30x 0.00078; 1000 Genomes Project 0.00080; gnomAD 0.00091 and 0.00096; TOPMed 0.00104.
gnomAD v4.1: 326 of 883,164 alleles (0.037%); highest among the groups gnomAD compares: African/African-American, 0.26%; 1 homozygote.

Submission:

Illumina Laboratory Services, Illumina
Classification: Likely benign for Stargardt disease 3. Last evaluated: 2018-01-13. Review status: criteria provided, single submitter. Criteria: ICSL Variant Classification Criteria 13 December 2019. Collection method: clinical testing. Allele origin: germline.
Comment: This variant was observed in the ICSL laboratory as part of a predisposition screen in an ostensibly healthy population. It had not been previously curated by ICSL or reported in the Human Gene Mutation Database (HGMD: prior to June 1st, 2018), and was therefore a candidate for classification through an automated scoring system. Utilizing variant allele frequency, disease prevalence and penetrance estimates, and inheritance mode, an automated score was calculated to assess if this variant is too frequent to cause the disease. Based on the score and internal cut-off values, a variant classified as likely benign is not then subjected to further curation. The score for this variant resulted in a classification of likely benign for this disease.